The following is an entry in ClinVar:

NM_001046.3(SLC12A2):c.1059T>G (p.Tyr353Ter)

Gene: SLC12A2 (solute carrier family 12 member 2; plus strand). Cytogenetic location: 5q23.3.
Variant type: single nucleotide variant.
Coding change: c.1059T>G on transcript NM_001046.3 (MANE Select); coding-DNA position 1059, T replaced by G.
Protein change: p.Tyr353Ter; replaces tyrosine 353 with a stop codon.
Molecular consequence: nonsense. On other transcripts: non-coding transcript variant (1).
Genome position (GRCh38, 1-based): chr5:128,131,077, T>G. VCF-style: chr5-128131077-T-G. GRCh37 (hg19) VCF-style: chr5-127466769-T-G.
Other names: c.1059T>G, p.Tyr353Ter (NM_001256461.2); short protein forms Y353*.
Identifiers: ClinVar variation 1690481 (VCV001690481.2), dbSNP rs2126697261, ClinGen allele CA360740742.

ClinVar aggregate classification (germline): Likely pathogenic (1 of 4 stars; one submission).

Submission:

Laboratorio de Genetica e Diagnostico Molecular, Hospital Israelita Albert Einstein
Classification: Likely pathogenic. Last evaluated: 2021-11-16. Review status: criteria provided, single submitter. Criteria: ACMG Guidelines, 2015. Collection method: clinical testing. Allele origin: germline. Affected: yes.
Comment: ACMG classification criteria: PVS1, PM2